The following is an entry in ClinVar:

ClinVar aggregate classification (germline): Uncertain significance (1 of 4 stars; one submission).

Submission:

GeneDx
Classification: Uncertain significance. Last evaluated: 2025-03-11. Review status: criteria provided, single submitter. Criteria: GeneDx Variant Classification Process June 2021. Collection method: clinical testing. Allele origin: germline. Affected: yes.
Comment: Not observed at significant frequency in large population cohorts (gnomAD); In silico analysis supports that this missense variant has a deleterious effect on protein structure/function; Has not been previously published as pathogenic or benign to our knowledge

NM_001373.1:c.13015T>C

Gene: DNAH14 (dynein axonemal heavy chain 14; plus strand).
Variant type: single nucleotide variant.
Identifiers: ClinVar variation 4083229 (VCV004083229.1).